The following is an entry in ClinVar:

ClinVar aggregate classification (germline): Uncertain significance (1 of 4 stars; one submission).

Conditions:
Mucopolysaccharidosis type 7 (MPS7). Also called: GUSB DEFICIENCY; SLY SYNDROME; MPS VII; BETA-GLUCURONIDASE DEFICIENCY. Identifiers: Orphanet 584, MedGen C0085132, MONDO:0009662, OMIM 253220.

Submission:

Labcorp Genetics (formerly Invitae), Labcorp
Classification: Uncertain significance for Mucopolysaccharidosis type 7. Last evaluated: 2022-06-24. Review status: criteria provided, single submitter. Criteria: Invitae Variant Classification Sherloc (09022015). Collection method: clinical testing. Allele origin: germline.
Comment: This sequence change replaces serine, which is neutral and polar, with asparagine, which is neutral and polar, at codon 82 of the GUSB protein (p.Ser82Asn). This variant is not present in population databases (gnomAD no frequency). This variant has not been reported in the literature in individuals affected with GUSB-related conditions. Algorithms developed to predict the effect of missense changes on protein structure and function are either unavailable or do not agree on the potential impact of this missense change (SIFT: "Deleterious"; PolyPhen-2: "Probably Damaging"; Align-GVGD: "Class C0"). In summary, the available evidence is currently insufficient to determine the role of this variant in disease. Therefore, it has been classified as a Variant of Uncertain Significance.

NM_000181.4(GUSB):c.245G>A (p.Ser82Asn)

Gene: GUSB (glucuronidase beta; minus strand). Cytogenetic location: 7q11.21.
Variant type: single nucleotide variant.
Coding change: c.245G>A on transcript NM_000181.4 (MANE Select); coding-DNA position 245, G replaced by A.
Protein change: p.Ser82Asn; replaces serine 82 with asparagine.
Molecular consequence: missense variant. On other transcripts: 5 prime UTR variant (2), non-coding transcript variant (1).
Genome position (GRCh38, 1-based): chr7:65,980,375, C>T on the plus strand (G>A on the coding strand, the complement: GUSB is on the minus strand). VCF-style: chr7-65980375-C-T. GRCh37 (hg19) VCF-style: chr7-65445362-C-T.
Other names: c.245G>A, p.Ser82Asn (NM_001284290.2); c.-141G>A (NM_001293104.2); c.-85G>A (NM_001293105.2); short protein forms S82N.
Identifiers: ClinVar variation 2041689 (VCV002041689.1), dbSNP rs1196229091, ClinGen allele CA367652819.